The following is an entry in ClinVar:

ClinVar aggregate classification (germline): Uncertain significance (1 of 4 stars; one submission).

Conditions:
Hypertrophic cardiomyopathy 14. Identifiers: MedGen C2750467, MONDO:0013197, OMIM 613251.

Submission:

Labcorp Genetics (formerly Invitae), Labcorp
Classification: Uncertain significance for Hypertrophic cardiomyopathy 14. Last evaluated: 2021-05-08. Review status: criteria provided, single submitter. Criteria: Invitae Variant Classification Sherloc (09022015). Collection method: clinical testing. Allele origin: germline.
Comment: This sequence change replaces glutamic acid with glycine at codon 967 of the MYH6 protein (p.Glu967Gly). The glutamic acid residue is moderately conserved and there is a moderate physicochemical difference between glutamic acid and glycine. This variant is not present in population databases (ExAC no frequency). This variant has not been reported in the literature in individuals with MYH6-related conditions. Algorithms developed to predict the effect of missense changes on protein structure and function are either unavailable or do not agree on the potential impact of this missense change (SIFT: "Deleterious"; PolyPhen-2: "Probably Damaging"; Align-GVGD: "Class C0"). Algorithms developed to predict the effect of sequence changes on RNA splicing suggest that this variant may create or strengthen a splice site, but this prediction has not been confirmed by published transcriptional studies. In summary, the available evidence is currently insufficient to determine the role of this variant in disease. Therefore, it has been classified as a Variant of Uncertain Significance.

NM_002471.4(MYH6):c.2900A>G (p.Glu967Gly)

Gene: MYH6 (myosin heavy chain 6; minus strand). Cytogenetic location: 14q11.2.
Variant type: single nucleotide variant.
Coding change: c.2900A>G on transcript NM_002471.4 (MANE Select); coding-DNA position 2900, A replaced by G.
Protein change: p.Glu967Gly; replaces glutamic acid 967 with glycine.
Molecular consequence: missense variant.
Genome position (GRCh38, 1-based): chr14:23,393,694, T>C on the plus strand (A>G on the coding strand, the complement: MYH6 is on the minus strand). VCF-style: chr14-23393694-T-C. GRCh37 (hg19) VCF-style: chr14-23862903-T-C.
Other names: short protein forms E967G.
Identifiers: ClinVar variation 1504631 (VCV001504631.8), dbSNP rs2138598751, ClinGen allele CA389011854.